The following is an entry in ClinVar:

ClinVar aggregate classification (germline): Uncertain significance. Review status: criteria provided, multiple submitters, no conflicts (2 of 4 stars). 2 submissions from 2 submitters: Uncertain significance (2). Last evaluated 2024-04-15.

Conditions:
Cardiomyopathy (CMYO). Also called: Cardiomyopathies. Identifiers: Orphanet 167848, MedGen C0878544, MONDO:0004994, HP:0001638. Inheritance: Various modes of inheritance.
Catecholaminergic polymorphic ventricular tachycardia 1. Also called: VENTRICULAR TACHYCARDIA, CATECHOLAMINERGIC POLYMORPHIC, 1, WITH OR WITHOUT ATRIAL DYSFUNCTION AND/OR DILATED CARDIOMYOPATHY; VENTRICULAR TACHYCARDIA, STRESS-INDUCED POLYMORPHIC 1; RYR2-Related Catecholaminergic Polymorphic Ventricular Tachycardia. Identifiers: Orphanet 3286, MedGen C1631597, MONDO:0011484, OMIM 604772.

Submissions (2):

Color Diagnostics, LLC DBA Color Health
Classification: Uncertain significance for Cardiomyopathy. Last evaluated: 2024-04-15. Review status: criteria provided, single submitter. Criteria: ACMG Guidelines, 2015. Collection method: clinical testing. Allele origin: germline.
Comment: This missense variant replaces aspartic acid with asparagine at codon 1838 of the RYR2 protein. Computational prediction is inconclusive regarding the impact of this variant on protein structure and function (internally defined REVEL score threshold 0.5 < inconclusive < 0.7, PMID: 27666373). To our knowledge, functional studies have not been reported for this variant. This variant has not been reported in individuals affected with RYR2-related disorders in the literature. This variant has not been identified in the general population by the Genome Aggregation Database (gnomAD). The available evidence is insufficient to determine the role of this variant in disease conclusively. Therefore, this variant is classified as a Variant of Uncertain Significance.

Labcorp Genetics (formerly Invitae), Labcorp
Classification: Uncertain significance for Catecholaminergic polymorphic ventricular tachycardia 1. Last evaluated: 2023-05-25. Review status: criteria provided, single submitter. Criteria: Invitae Variant Classification Sherloc (09022015). Collection method: clinical testing. Allele origin: germline.
Comment: In summary, the available evidence is currently insufficient to determine the role of this variant in disease. Therefore, it has been classified as a Variant of Uncertain Significance. Advanced modeling of protein sequence and biophysical properties (such as structural, functional, and spatial information, amino acid conservation, physicochemical variation, residue mobility, and thermodynamic stability) performed at Invitae indicates that this missense variant is not expected to disrupt RYR2 protein function. This variant has not been reported in the literature in individuals affected with RYR2-related conditions. This variant is not present in population databases (gnomAD no frequency). This sequence change replaces aspartic acid, which is acidic and polar, with asparagine, which is neutral and polar, at codon 1838 of the RYR2 protein (p.Asp1838Asn).

NM_001035.3(RYR2):c.5512G>A (p.Asp1838Asn)

Gene: RYR2 (ryanodine receptor 2; plus strand). Cytogenetic location: 1q43.
Variant type: single nucleotide variant.
Coding change: c.5512G>A on transcript NM_001035.3 (MANE Select); coding-DNA position 5512, G replaced by A.
Protein change: p.Asp1838Asn; replaces aspartic acid 1838 with asparagine.
Molecular consequence: missense variant.
Genome position (GRCh38, 1-based): chr1:237,614,640, G>A. VCF-style: chr1-237614640-G-A. GRCh37 (hg19) VCF-style: chr1-237777940-G-A.
Other names: short protein forms D1838N.
Identifiers: ClinVar variation 2838434 (VCV002838434.4), dbSNP rs1559117015, ClinGen allele CA345405185.
Genomic context (GRCh38, chr1:237,614,640, plus strand): 5'-TTTGTACCTCTCATCAAGCTTTTCTATACCCTGCTGATCATGGGCATCTTTCACAACGAG[G>A]ACTTGAAGCACATCTTGCAGTTGATTGAGCCCAGTGTGTTTAAAGAAGCTGCCACTCCGG-3'
Protein context (NP_001026.2, residues 1828-1848): LLIMGIFHNE[Asp1838Asn]LKHILQLIEP